The following is an entry in ClinVar:

NM_001384732.1(CPLANE1):c.8402C>G (p.Ser2801Cys)

Gene: CPLANE1 (ciliogenesis and planar polarity effector complex subunit 1; minus strand). Cytogenetic location: 5p13.2.
Variant type: single nucleotide variant.
Coding change: c.8402C>G on transcript NM_001384732.1 (MANE Select); coding-DNA position 8402, C replaced by G.
Protein change: p.Ser2801Cys; replaces serine 2801 with cysteine.
Molecular consequence: missense variant.
Genome position (GRCh38, 1-based): chr5:37,148,240, G>C on the plus strand (C>G on the coding strand, the complement: CPLANE1 is on the minus strand). VCF-style: chr5-37148240-G-C. GRCh37 (hg19) VCF-style: chr5-37148342-G-C.
Other names: c.8240C>G, p.Ser2747Cys (NM_023073.4); short protein forms S2801C, S2747C.
Identifiers: ClinVar variation 1374080 (VCV001374080.6), dbSNP rs1772334186, ClinGen allele CA359473361.

ClinVar aggregate classification (germline): Uncertain significance (1 of 4 stars; one submission).

Submission:

Labcorp Genetics (formerly Invitae), Labcorp
Classification: Uncertain significance. Last evaluated: 2024-10-24. Review status: criteria provided, single submitter. Criteria: Invitae Variant Classification Sherloc (09022015). Collection method: clinical testing. Allele origin: germline.
Comment: This sequence change replaces serine, which is neutral and polar, with cysteine, which is neutral and slightly polar, at codon 2747 of the CPLANE1 protein (p.Ser2747Cys). This variant is not present in population databases (gnomAD no frequency). This variant has not been reported in the literature in individuals affected with CPLANE1-related conditions. ClinVar contains an entry for this variant (Variation ID: 1374080). Invitae Evidence Modeling of protein sequence and biophysical properties (such as structural, functional, and spatial information, amino acid conservation, physicochemical variation, residue mobility, and thermodynamic stability) indicates that this missense variant is not expected to disrupt CPLANE1 protein function with a negative predictive value of 95%. In summary, the available evidence is currently insufficient to determine the role of this variant in disease. Therefore, it has been classified as a Variant of Uncertain Significance.